The following is an entry in ClinVar:

ClinVar aggregate classification (germline): Uncertain significance (1 of 4 stars; one submission).

Allele frequency attached by ClinVar (database versions not stated): gnomAD 0.00001.
gnomAD v4.1: 1 of 1,614,092 alleles (0.000062%); highest among the groups gnomAD compares: Non-Finnish European, 0.000085%; no homozygotes.

Submission:

GeneDx
Classification: Uncertain significance. Last evaluated: 2022-11-17. Review status: criteria provided, single submitter. Criteria: GeneDx Variant Classification Process June 2021. Collection method: clinical testing. Allele origin: germline. Affected: yes.
Comment: Not observed at significant frequency in large population cohorts (gnomAD); In silico analysis supports that this missense variant has a deleterious effect on protein structure/function; Has not been previously published as pathogenic or benign to our knowledge; This variant is associated with the following publications: (PMID: 21520338, 31554319, 9590290, 16718611)

NM_005422.4(TECTA):c.5453G>T (p.Cys1818Phe)

Genes: TBCEL-TECTA (TBCEL-TECTA readthrough; plus strand), TECTA (tectorin alpha; plus strand). Cytogenetic location: 11q23.3.
Variant type: single nucleotide variant.
Coding change: c.5453G>T on transcript NM_005422.4 (MANE Select); coding-DNA position 5453, G replaced by T.
Protein change: p.Cys1818Phe; replaces cysteine 1818 with phenylalanine.
Molecular consequence: missense variant.
Genome position (GRCh38, 1-based): chr11:121,166,647, G>T. VCF-style: chr11-121166647-G-T. GRCh37 (hg19) VCF-style: chr11-121037356-G-T.
Other names: c.6395G>T, p.Cys2132Phe (NM_001378761.1); short protein forms C1818F, C2132F.
Identifiers: ClinVar variation 2502727 (VCV002502727.1), dbSNP rs1183399077, ClinGen allele CA383034449.